The following is an entry in ClinVar:

NM_144687.4(NLRP12):c.1546A>G (p.Ser516Gly)

Gene: NLRP12 (NLR family pyrin domain containing 12; minus strand). Cytogenetic location: 19q13.42.
Variant type: single nucleotide variant.
Coding change: c.1546A>G on transcript NM_144687.4 (MANE Select); coding-DNA position 1546, A replaced by G.
Protein change: p.Ser516Gly; replaces serine 516 with glycine.
Molecular consequence: missense variant.
Genome position (GRCh38, 1-based): chr19:53,810,113, T>C on the plus strand (A>G on the coding strand, the complement: NLRP12 is on the minus strand). VCF-style: chr19-53810113-T-C. GRCh37 (hg19) VCF-style: chr19-54313367-T-C.
Other names: c.1546A>G, p.Ser516Gly (NM_001277126.2, NM_001277129.1); short protein forms S516G.
Identifiers: ClinVar variation 945783 (VCV000945783.11), dbSNP rs770763005, ClinGen allele CA9639405.
Genomic context (GRCh38, chr19:53,810,113, plus strand): 5'-CTGCCCCGCCCTCCCCCTCGTCCAGGATATAGTACATAGCTGCAAAGAATTCCTGGAAAC[T>C]CAAGTGGATGAAGCTGTAGTACCTCTCACAGTTGATGTCCTTCTGGAAGATGTTCATGTT-3'
Protein context (NP_653288.1, residues 506-526): CERYYSFIHL[Ser516Gly]FQEFFAAMYY

ClinVar aggregate classification (germline): Uncertain significance. Review status: criteria provided, multiple submitters, no conflicts (2 of 4 stars). 2 submissions from 2 submitters: Uncertain significance (2). Last evaluated 2025-08-27.

Conditions:
Familial cold autoinflammatory syndrome 2 (FCAS2). Identifiers: Orphanet 247868, MedGen C2673198, MONDO:0012724, OMIM 611762.

Allele frequency attached by ClinVar (database versions not stated): gnomAD exomes 0.00001; ExAC 0.00002.
gnomAD v4.1: 17 of 1,614,118 alleles (0.0011%); highest among the groups gnomAD compares: South Asian, 0.0077%; no homozygotes.

Submissions (2):

Labcorp Genetics (formerly Invitae), Labcorp
Classification: Uncertain significance for Familial cold autoinflammatory syndrome 2. Last evaluated: 2025-08-27. Review status: criteria provided, single submitter. Criteria: Invitae Variant Classification Sherloc (09022015). Collection method: clinical testing. Allele origin: germline.
Comment: This sequence change replaces serine, which is neutral and polar, with glycine, which is neutral and non-polar, at codon 516 of the NLRP12 protein (p.Ser516Gly). This variant is present in population databases (rs770763005, gnomAD 0.003%). This variant has not been reported in the literature in individuals affected with NLRP12-related conditions. ClinVar contains an entry for this variant (Variation ID: 945783). Invitae Evidence Modeling of protein sequence and biophysical properties (such as structural, functional, and spatial information, amino acid conservation, physicochemical variation, residue mobility, and thermodynamic stability) indicates that this missense variant is not expected to disrupt NLRP12 protein function with a negative predictive value of 80%. In summary, the available evidence is currently insufficient to determine the role of this variant in disease. Therefore, it has been classified as a Variant of Uncertain Significance.

GeneDx
Classification: Uncertain significance. Last evaluated: 2020-09-18. Review status: criteria provided, single submitter. Criteria: GeneDx Variant Classification Process June 2021. Collection method: clinical testing. Allele origin: germline. Affected: yes.
Comment: Not observed at a significant frequency in large population cohorts (Lek et al., 2016); In silico analysis supports that this missense variant has a deleterious effect on protein structure/function; Has not been previously published as pathogenic or benign to our knowledge